The following is an entry in ClinVar:

NM_001040108.2(MLH3):c.4331A>C (p.Gln1444Pro)

Gene: MLH3 (mutL homolog 3; minus strand). Cytogenetic location: 14q24.3.
Variant type: single nucleotide variant.
Coding change: c.4331A>C on transcript NM_001040108.2 (MANE Select); coding-DNA position 4331, A replaced by C.
Protein change: p.Gln1444Pro; replaces glutamine 1444 with proline.
Molecular consequence: missense variant.
Genome position (GRCh38, 1-based): chr14:75,017,113, T>G on the plus strand (A>C on the coding strand, the complement: MLH3 is on the minus strand). VCF-style: chr14-75017113-T-G. GRCh37 (hg19) VCF-style: chr14-75483816-T-G.
Other names: c.4259A>C, p.Gln1420Pro (NM_014381.3); short protein forms Q1444P, Q1420P.
Identifiers: ClinVar variation 1739792 (VCV001739792.2), dbSNP rs2503031969, ClinGen allele CA390417641.
Genomic context (GRCh38, chr14:75,017,113, plus strand): 5'-TTGTTCCTTTTAGACCAGTGATTCTGTTCTCATGGTGGCTCACAGGGAGGCATGGATTGC[T>G]GCAGGCTCTGCCTTGTATCACACTCTGCTTTTCCAAAGAGACGCCAGGCCTGGGCCATTT-3'
Protein context (NP_001035197.1, residues 1434-1453): KAECDTRQSL[Gln1444Pro]QSMPPCEPP

ClinVar aggregate classification (germline): Uncertain significance (1 of 4 stars; one submission).

Submission:

Ambry Genetics
Classification: Uncertain significance. Last evaluated: 2021-12-22. Review status: criteria provided, single submitter. Criteria: Ambry Variant Classification Scheme 2023. Collection method: clinical testing. Allele origin: germline.
Comment: The p.Q1444P variant (also known as c.4331A>C), located in coding exon 12 of the MLH3 gene, results from an A to C substitution at nucleotide position 4331. The glutamine at codon 1444 is replaced by proline, an amino acid with similar properties. This amino acid position is conserved. In addition, the in silico prediction for this alteration is inconclusive. Since supporting evidence is limited at this time, the clinical significance of this alteration remains unclear.